The following is an entry in ClinVar:

ClinVar aggregate classification (germline): Uncertain significance. Review status: criteria provided, multiple submitters, no conflicts (2 of 4 stars). 2 submissions from 2 submitters: Uncertain significance (2). Last evaluated 2026-05-19.

Conditions:
Familial focal epilepsy with variable foci (FPEVF). Identifiers: Orphanet 98820, MedGen C1858477, MONDO:0020310.
Inborn genetic diseases. Identifiers: MedGen C0950123, MeSH D030342.

Submissions (2):

Ambry Genetics
Classification: Uncertain significance for Inborn genetic diseases. Last evaluated: 2026-05-19. Review status: criteria provided, single submitter. Criteria: Ambry Variant Classification Scheme 2023. Collection method: clinical testing. Allele origin: germline.
Comment: The c.4573C>T (p.R1525W) alteration is located in exon 43 (coding exon 42) of the DEPDC5 gene. This alteration results from a C to T substitution at nucleotide position 4573, causing the arginine (R) at amino acid position 1525 to be replaced by a tryptophan (W). Based on data from gnomAD, the T allele has an overall frequency of <0.001% (1/247964) total alleles studied. The highest observed frequency was 0.003% (1/30602) of South Asian alleles. Based on insufficient or conflicting evidence, the clinical significance of this alteration remains unclear.

Labcorp Genetics (formerly Invitae), Labcorp
Classification: Uncertain significance for Familial focal epilepsy with variable foci. Last evaluated: 2019-08-03. Review status: criteria provided, single submitter. Criteria: Invitae Variant Classification Sherloc (09022015). Collection method: clinical testing. Allele origin: germline.
Comment: This sequence change replaces arginine with tryptophan at codon 1525 of the DEPDC5 protein (p.Arg1525Trp). The arginine residue is highly conserved and there is a moderate physicochemical difference between arginine and tryptophan. This variant is not present in population databases (ExAC no frequency). In summary, the available evidence is currently insufficient to determine the role of this variant in disease. Therefore, it has been classified as a Variant of Uncertain Significance. Algorithms developed to predict the effect of missense changes on protein structure and function are either unavailable or do not agree on the potential impact of this missense change (SIFT: "Deleterious"; PolyPhen-2: "Not Available"; Align-GVGD: "Class C0"). This variant has not been reported in the literature in individuals with DEPDC5-related conditions.

NM_001242896.3(DEPDC5):c.4573C>T (p.Arg1525Trp)

Gene: DEPDC5 (DEP domain containing 5, GATOR1 subcomplex subunit; plus strand). Cytogenetic location: 22q12.3.
Variant type: single nucleotide variant.
Coding change: c.4573C>T on transcript NM_001242896.3 (MANE Select); coding-DNA position 4573, C replaced by T.
Protein change: p.Arg1525Trp; replaces arginine 1525 with tryptophan.
Molecular consequence: missense variant. On other transcripts: non-coding transcript variant (5).
Genome position (GRCh38, 1-based): chr22:31,906,258, C>T. VCF-style: chr22-31906258-C-T. GRCh37 (hg19) VCF-style: chr22-32302244-C-T.
Other names: c.4546C>T, p.Arg1516Trp (NM_001136029.4); c.4273C>T, p.Arg1425Trp (NM_001242897.2); c.4507C>T, p.Arg1503Trp (NM_001363852.2, NM_001364320.2); c.4339C>T, p.Arg1447Trp (NM_001363854.2, NM_001364319.2); c.4573C>T, p.Arg1525Trp (NM_001364318.2); c.4489C>T, p.Arg1497Trp (NM_001369901.1, NM_001369902.1); c.4480C>T, p.Arg1494Trp (NM_001369903.1, NM_014662.6); short protein forms R1497W, R1503W, R1447W, R1516W, R1525W, R1425W, R1494W.
Identifiers: ClinVar variation 962234 (VCV000962234.10), dbSNP rs1223453056, ClinGen allele CA411292409.